The following is an entry in ClinVar:

ClinVar aggregate classification (germline): Uncertain significance (1 of 4 stars; one submission).

Conditions:
Familial thoracic aortic aneurysm and aortic dissection (TAAD). Also called: Thoracic aortic aneurysms and dissections. Identifiers: Orphanet 91387, MedGen C4707243, MONDO:0019625.

Submission:

Color Diagnostics, LLC DBA Color Health
Classification: Uncertain significance for Familial thoracic aortic aneurysm and aortic dissection. Last evaluated: 2023-12-04. Review status: criteria provided, single submitter. Criteria: ACMG Guidelines, 2015. Collection method: clinical testing. Allele origin: germline.
Comment: Variant of Uncertain Significance due to insufficient evidence: This missense variant replaces glycine with serine at codon 2673 of the FBN1 protein. Computational prediction tools and conservation analyses are inconclusive regarding the impact of this variant on the protein function. Computational splicing tools suggest that this variant may not impact RNA splicing. To our knowledge, functional assays have not been performed for this variant nor has this variant been reported in individuals affected with cardiovascular disorders in the literature. This variant has not been identified in the general population by the Genome Aggregation Database (gnomAD). Available evidence is insufficient to determine the role of this variant in disease conclusively.

NM_000138.5(FBN1):c.8017G>A (p.Gly2673Ser)

Gene: FBN1 (fibrillin 1; minus strand). Cytogenetic location: 15q21.1.
Variant type: single nucleotide variant.
Coding change: c.8017G>A on transcript NM_000138.5 (MANE Select); coding-DNA position 8017, G replaced by A.
Protein change: p.Gly2673Ser; replaces glycine 2673 with serine.
Molecular consequence: missense variant.
Genome position (GRCh38, 1-based): chr15:48,415,570, C>T on the plus strand (G>A on the coding strand, the complement: FBN1 is on the minus strand). VCF-style: chr15-48415570-C-T. GRCh37 (hg19) VCF-style: chr15-48707767-C-T.
Other names: short protein forms G2673S.
Identifiers: ClinVar variation 922973 (VCV000922973.5), dbSNP rs894550222, ClinGen allele CA269519046.
Genomic context (GRCh38, chr15:48,415,570, plus strand): 5'-CCATGACCAGGAAGAGCACTGCTTACCCTTGGCCTATGCGGAAGTAACCAGGTGGACAGC[C>T]ACACAGGTAACCGCCCTCGGTATTGGAACAGCCATAGCTGCAGGGGGCCTGCGCAGAGCC-3'
Protein context (NP_000129.3, residues 2663-2683): CSNTEGGYLC[Gly2673Ser]CPPGYFRIGQ